The following is an entry in ClinVar:

ClinVar aggregate classification (germline): Pathogenic. Review status: criteria provided, multiple submitters, no conflicts (2 of 4 stars). 4 submissions from 4 submitters: Pathogenic (4). Last evaluated 2025-04-18.

Conditions:
Cone-rod dystrophy 13 (CORD13). Identifiers: Orphanet 1872, MedGen C2750720, MONDO:0011987, OMIM 608194.
RPGRIP1-related disorder. Also called: RPGRIP1-related condition.
Leber congenital amaurosis 6 (LCA6). Identifiers: Orphanet 65, MedGen C1854260, MONDO:0013446, OMIM 613826.

Allele frequency attached by ClinVar (database versions not stated): gnomAD exomes 0.00002; TOPMed 0.00002; ExAC 0.00003; gnomAD 0.00003 and 0.00004; ESP Exome Variant Server 0.00008; 1000 Genomes Project 30x 0.00016; 1000 Genomes Project 0.00020.

Submissions (4):

Labcorp Genetics (formerly Invitae), Labcorp
Classification: Pathogenic for Leber congenital amaurosis 6; Cone-rod dystrophy 13. Last evaluated: 2025-04-18. Review status: criteria provided, single submitter. Criteria: Invitae Variant Classification Sherloc (09022015). Collection method: clinical testing. Allele origin: germline.
Comment: This sequence change creates a premature translational stop signal (p.Arg371*) in the RPGRIP1 gene. It is expected to result in an absent or disrupted protein product. Loss-of-function variants in RPGRIP1 are known to be pathogenic (PMID: 11528500, 23105016). This variant is present in population databases (rs375859404, gnomAD 0.008%). This premature translational stop signal has been observed in individual(s) with Leber congenital amaurosis (PMID: 28453600). ClinVar contains an entry for this variant (Variation ID: 1375717). Algorithms developed to predict the effect of sequence changes on RNA splicing suggest that this variant may disrupt the consensus splice site. For these reasons, this variant has been classified as Pathogenic.

Palindrome, Gene Kavoshgaran Aria
Classification: Pathogenic for Cone-rod dystrophy 13. Last evaluated: 2024-09-24. Review status: criteria provided, single submitter. Criteria: ACMG Guidelines, 2015. Collection method: clinical testing. Allele origin: germline. Inheritance: Autosomal recessive inheritance. Affected: yes. Observed: 1 homozygote.

Department of Pathology and Laboratory Medicine, Sinai Health System
Classification: Pathogenic for Leber congenital amaurosis 6; Cone-rod dystrophy 13. Last evaluated: 2023-06-19. Review status: criteria provided, single submitter. Criteria: ACMG Guidelines, 2015. Collection method: research. Allele origin: germline.

Blueprint Genetics
Classification: Pathogenic for RPGRIP1-related disorders. Last evaluated: 2022-01-07. Review status: criteria provided, single submitter. Criteria: ACMG Guidelines, 2015. Collection method: clinical testing. Allele origin: germline. Affected: yes. Observed: 4 variant alleles.

Literature cited by the submitters: PubMed 11528500 (cited by Labcorp Genetics (formerly Invitae), Labcorp); PubMed 23105016 (cited by Labcorp Genetics (formerly Invitae), Labcorp); PubMed 28453600 (cited by Labcorp Genetics (formerly Invitae), Labcorp).

NM_020366.4(RPGRIP1):c.1111C>T (p.Arg371Ter)

Gene: RPGRIP1 (RPGR interacting protein 1; plus strand). Cytogenetic location: 14q11.2.
Variant type: single nucleotide variant.
Coding change: c.1111C>T on transcript NM_020366.4 (MANE Select); coding-DNA position 1111, C replaced by T.
Protein change: p.Arg371Ter; replaces arginine 371 with a stop codon.
Molecular consequence: nonsense.
Genome position (GRCh38, 1-based): chr14:21,312,466, C>T. VCF-style: chr14-21312466-C-T. GRCh37 (hg19) VCF-style: chr14-21780625-C-T.
Other names: short protein forms R371*.
Identifiers: ClinVar variation 1375717 (VCV001375717.11), dbSNP rs375859404, ClinGen allele CA7088872.